The following is an entry in ClinVar:

ClinVar aggregate classification (germline): Conflicting classifications of pathogenicity. Review status: criteria provided, conflicting classifications (1 of 4 stars). 4 submissions from 4 submitters: Likely pathogenic (1); Uncertain significance (2). 1 of the submissions does not count toward it. Last evaluated 2026-08-15.

Conditions:
Alkaline ceramidase 3 deficiency. Also called: LEUKODYSTROPHY, PROGRESSIVE, EARLY CHILDHOOD-ONSET. Identifiers: Orphanet 502444, MedGen C4540358, MONDO:0044718, OMIM 617762.

Allele frequency attached by ClinVar (database versions not stated): TOPMed 0.00002; gnomAD exomes 0.00005 and 0.00010; gnomAD 0.00001; ExAC 0.00012.

Submissions (4):

GeneDx
Classification: Uncertain significance. Last evaluated: 2026-08-15. Review status: criteria provided, single submitter. Criteria: GeneDx Variant Classification Process June 2021. Collection method: clinical testing. Allele origin: germline.
Comment: In silico analysis supports that this missense variant has a deleterious effect on protein structure/function; This variant is associated with the following publications: (PMID: Kaiyrzhanov2026 [Preprint], 36939041)

3billion
Classification: Likely pathogenic for Alkaline ceramidase 3 deficiency. Last evaluated: 2025-09-11. Review status: criteria provided, single submitter. Criteria: ACMG Guidelines, 2015. Collection method: clinical testing. Allele origin: germline. Affected: yes.
Comment: The variant is observed in the gnomAD v4.1.0 dataset (total allele frequency: 0.002%). Predicted Consequence/Location: Missense variant In silico tool predictions suggest damaging effect of the variant on gene or gene product [REVEL: 0.94 (>=0.6, sensitivity 0.68 and specificity 0.92); 3Cnet: 0.98 (> 0.75, sensitivity 0.96 and precision 0.92)]. The variant has been reported to be in trans (confirmed or potential) with an additional pathogenic variant or VUS in at least one similarly affected unrelated individual (PMID: 36939041 /3billion dataset). Therefore, this variant is classified as Likely pathogenic according to the recommendation of ACMG/AMP guideline.

Labcorp Genetics (formerly Invitae), Labcorp
Classification: Uncertain significance. Last evaluated: 2023-11-27. Review status: criteria provided, single submitter. Criteria: Invitae Variant Classification Sherloc (09022015). Collection method: clinical testing. Allele origin: germline.
Comment: This sequence change replaces cysteine, which is neutral and slightly polar, with tyrosine, which is neutral and polar, at codon 196 of the ACER3 protein (p.Cys196Tyr). This variant is present in population databases (rs782435086, gnomAD 0.08%), and has an allele count higher than expected for a pathogenic variant. This variant has not been reported in the literature in individuals affected with ACER3-related conditions. ClinVar contains an entry for this variant (Variation ID: 1030362). Advanced modeling of protein sequence and biophysical properties (such as structural, functional, and spatial information, amino acid conservation, physicochemical variation, residue mobility, and thermodynamic stability) performed at Invitae indicates that this missense variant is expected to disrupt ACER3 protein function with a positive predictive value of 80%. In summary, the available evidence is currently insufficient to determine the role of this variant in disease. Therefore, it has been classified as a Variant of Uncertain Significance.

Baylor Genetics
Classification: Pathogenic for Alkaline ceramidase 3 deficiency. Last evaluated: 2019-08-22. Review status: flagged submission. Criteria: ACMG Guidelines, 2015. Collection method: clinical testing. Allele origin: unknown. Affected: yes. Not counted in ClinVar's aggregate classification.
Comment: This variant was determined to be pathogenic according to ACMG Guidelines, 2015 [PMID:25741868].
ClinVar note: Reason: Claim with insufficient supporting evidence

Literature cited by the submitters: PubMed 36939041 (cited by 3billion).

NM_018367.7(ACER3):c.587G>A (p.Cys196Tyr)

Gene: ACER3 (alkaline ceramidase 3; plus strand). Cytogenetic location: 11q13.5.
Variant type: single nucleotide variant.
Coding change: c.587G>A on transcript NM_018367.7 (MANE Select); coding-DNA position 587, G replaced by A.
Protein change: p.Cys196Tyr; replaces cysteine 196 with tyrosine.
Molecular consequence: missense variant.
Genome position (GRCh38, 1-based): chr11:77,015,105, G>A. VCF-style: chr11-77015105-G-A. GRCh37 (hg19) VCF-style: chr11-76726149-G-A.
Other names: c.476G>A, p.Cys159Tyr (NM_001300953.2); c.302G>A, p.Cys101Tyr (NM_001300954.2, NM_001300955.2); short protein forms C101Y, C159Y, C196Y.
Identifiers: ClinVar variation 1030362 (VCV001030362.11), dbSNP rs782435086, ClinGen allele CA6195746.